The following is an entry in ClinVar:

ClinVar aggregate classification (germline): Likely pathogenic (1 of 4 stars; one submission).

Conditions:
Rhabdoid tumor predisposition syndrome 2 (RTPS2). Identifiers: Orphanet 231108, Orphanet 69077, MedGen C2750074, MONDO:0013224, OMIM 613325.

Submission:

Labcorp Genetics (formerly Invitae), Labcorp
Classification: Likely pathogenic for Rhabdoid tumor predisposition syndrome 2. Last evaluated: 2022-03-31. Review status: criteria provided, single submitter. Criteria: Invitae Variant Classification Sherloc (09022015). Collection method: clinical testing. Allele origin: germline.
Comment: In summary, the currently available evidence indicates that the variant is pathogenic, but additional data are needed to prove that conclusively. Therefore, this variant has been classified as Likely Pathogenic. Algorithms developed to predict the effect of missense changes on protein structure and function are either unavailable or do not agree on the potential impact of this missense change (SIFT: "Deleterious"; PolyPhen-2: "Probably Damaging"; Align-GVGD: "Class C15"). This missense change has been observed in individual(s) with small cell carcinoma of the ovary (Invitae). In at least one individual the variant was observed to be de novo. This variant is not present in population databases (gnomAD no frequency). This sequence change replaces glycine, which is neutral and non-polar, with tryptophan, which is neutral and slightly polar, at codon 784 of the SMARCA4 protein (p.Gly784Trp).

NM_003072.5(SMARCA4):c.2350G>T (p.Gly784Trp)

Gene: SMARCA4 (SWI/SNF related BAF chromatin remodeling complex subunit ATPase 4; plus strand). Cytogenetic location: 19p13.2.
Variant type: single nucleotide variant.
Coding change: c.2350G>T on transcript NM_003072.5 (MANE Select); coding-DNA position 2350, G replaced by T.
Protein change: p.Gly784Trp; replaces glycine 784 with tryptophan.
Molecular consequence: missense variant. On other transcripts: non-coding transcript variant (1).
Genome position (GRCh38, 1-based): chr19:11,013,024, G>T. VCF-style: chr19-11013024-G-T. GRCh37 (hg19) VCF-style: chr19-11123700-G-T.
Other names: c.2350G>T, p.Gly784Trp (NM_001128844.3, NM_001128845.2, NM_001128846.2 and 5 more transcripts); short protein forms G784W.
Identifiers: ClinVar variation 1471231 (VCV001471231.6), dbSNP rs2146279050, ClinGen allele CA404053166.